The following is an entry in ClinVar:

ClinVar aggregate classification (germline): Conflicting classifications of pathogenicity. Review status: criteria provided, conflicting classifications (1 of 4 stars). 4 submissions from 4 submitters: Uncertain significance (3); Likely benign (1). Last evaluated 2025-08-17.

Conditions:
Glomerulopathy with fibronectin deposits 2 (GFND2). Identifiers: Orphanet 84090, MedGen C1866075, MONDO:0011165, OMIM 601894.
Spondylometaphyseal dysplasia - Sutcliffe type. Also called: Sutcliffe type of spondylometaphyseal dysplasia; Sutcliffe SMD; Spondylometaphyseal dysplasia, 'corner fracture' type; Spondylometaphyseal Dysplasia, Corner Fracture Type. Identifiers: Orphanet 93315, MedGen C0432221, MONDO:0008479, OMIM 184255.
Inborn genetic diseases. Identifiers: MedGen C0950123, MeSH D030342.

Allele frequency attached by ClinVar (database versions not stated): gnomAD 0.00007; TOPMed 0.00007; ESP Exome Variant Server 0.00008; ExAC 0.00011; gnomAD exomes 0.00017.
gnomAD v4.1: 273 of 1,613,876 alleles (0.017%); highest among the groups gnomAD compares: Non-Finnish European, 0.021%; 1 homozygote.

Submissions (4):

Labcorp Genetics (formerly Invitae), Labcorp
Classification: Uncertain significance. Last evaluated: 2025-08-17. Review status: criteria provided, single submitter. Criteria: Invitae Variant Classification Sherloc (09022015). Collection method: clinical testing. Allele origin: germline.
Comment: This sequence change replaces serine, which is neutral and polar, with alanine, which is neutral and non-polar, at codon 1011 of the FN1 protein (p.Ser1011Ala). This variant is present in population databases (rs147232568, gnomAD 0.02%), and has an allele count higher than expected for a pathogenic variant. This variant has not been reported in the literature in individuals affected with FN1-related conditions. ClinVar contains an entry for this variant (Variation ID: 2150367). An algorithm developed to predict the effect of missense changes on protein structure and function (PolyPhen-2) suggests that this variant is likely to be tolerated. In summary, the available evidence is currently insufficient to determine the role of this variant in disease. Therefore, it has been classified as a Variant of Uncertain Significance.

Fulgent Genetics
Classification: Uncertain significance for Spondylometaphyseal dysplasia - Sutcliffe type; Glomerulopathy with fibronectin deposits 2. Last evaluated: 2024-02-02. Review status: criteria provided, single submitter. Criteria: ACMG Guidelines, 2015. Collection method: clinical testing. Allele origin: germline.

Blueprint Genetics
Classification: Likely benign. Last evaluated: 2023-12-22. Review status: criteria provided, single submitter. Criteria: ACMG Guidelines, 2015. Collection method: clinical testing. Allele origin: germline.

Ambry Genetics
Classification: Uncertain significance for Inborn genetic diseases. Last evaluated: 2023-04-19. Review status: criteria provided, single submitter. Criteria: Ambry Variant Classification Scheme 2023. Collection method: clinical testing. Allele origin: germline.

NM_212482.4(FN1):c.3031T>G (p.Ser1011Ala)

Gene: FN1 (fibronectin 1; minus strand). Cytogenetic location: 2q35.
Variant type: single nucleotide variant.
Coding change: c.3031T>G on transcript NM_212482.4 (MANE Select); coding-DNA position 3031, T replaced by G.
Protein change: p.Ser1011Ala; replaces serine 1011 with alanine.
Molecular consequence: missense variant.
Genome position (GRCh38, 1-based): chr2:215,404,611, A>C on the plus strand (T>G on the coding strand, the complement: FN1 is on the minus strand). VCF-style: chr2-215404611-A-C. GRCh37 (hg19) VCF-style: chr2-216269334-A-C.
Other names: c.3031T>G, p.Ser1011Ala (NM_001306129.2, NM_001306130.2, NM_001306131.2 and 13 more transcripts); c.3031T>G (NM_212482.1); short protein forms S1011A.
Identifiers: ClinVar variation 2150367 (VCV002150367.8), dbSNP rs147232568, ClinGen allele CA2094810.